The following is an entry in ClinVar:

NM_144687.4(NLRP12):c.1150G>T (p.Ala384Ser)

Gene: NLRP12 (NLR family pyrin domain containing 12; minus strand). Cytogenetic location: 19q13.42.
Variant type: single nucleotide variant.
Coding change: c.1150G>T on transcript NM_144687.4 (MANE Select); coding-DNA position 1150, G replaced by T.
Protein change: p.Ala384Ser; replaces alanine 384 with serine.
Molecular consequence: missense variant.
Genome position (GRCh38, 1-based): chr19:53,810,509, C>A on the plus strand (G>T on the coding strand, the complement: NLRP12 is on the minus strand). VCF-style: chr19-53810509-C-A. GRCh37 (hg19) VCF-style: chr19-54313763-C-A.
Other names: c.1150G>T, p.Ala384Ser (NM_001277126.2, NM_001277129.1); short protein forms A384S.
Identifiers: ClinVar variation 4743477 (VCV004743477.1).

ClinVar aggregate classification (germline): Uncertain significance (1 of 4 stars; one submission).

Conditions:
Familial cold autoinflammatory syndrome 2 (FCAS2). Identifiers: Orphanet 247868, MedGen C2673198, MONDO:0012724, OMIM 611762.

Submission:

Labcorp Genetics (formerly Invitae), Labcorp
Classification: Uncertain significance for Familial cold autoinflammatory syndrome 2. Last evaluated: 2025-08-03. Review status: criteria provided, single submitter. Criteria: Invitae Variant Classification Sherloc (09022015). Collection method: clinical testing. Allele origin: germline.
Comment: This sequence change replaces alanine, which is neutral and non-polar, with serine, which is neutral and polar, at codon 384 of the NLRP12 protein (p.Ala384Ser). This variant is not present in population databases (gnomAD no frequency). This variant has not been reported in the literature in individuals affected with NLRP12-related conditions. Invitae Evidence Modeling of protein sequence and biophysical properties (such as structural, functional, and spatial information, amino acid conservation, physicochemical variation, residue mobility, and thermodynamic stability) indicates that this missense variant is expected to disrupt NLRP12 protein function with a positive predictive value of 80%. In summary, the available evidence is currently insufficient to determine the role of this variant in disease. Therefore, it has been classified as a Variant of Uncertain Significance.